The following is an entry in ClinVar:

NM_003108.4(SOX11):c.561G>A (p.Gln187=)

Gene: SOX11 (SRY-box transcription factor 11; plus strand). Cytogenetic location: 2p25.2.
Variant type: single nucleotide variant.
Coding change: c.561G>A on transcript NM_003108.4 (MANE Select); coding-DNA position 561, G replaced by A.
Protein change: p.Gln187=; no amino-acid change (glutamine 187 retained).
Molecular consequence: synonymous variant.
Genome position (GRCh38, 1-based): chr2:5,693,282, G>A. VCF-style: chr2-5693282-G-A. GRCh37 (hg19) VCF-style: chr2-5833414-G-A.
Identifiers: ClinVar variation 2804408 (VCV002804408.3), dbSNP rs1462673426, ClinGen allele CA424763353.
Genomic context (GRCh38, chr2:5,693,282, plus strand): 5'-CGGCAAGCTCAAGGCCCCCGCGGCCGCGGGCGCCAAGGCGGGCGCGGGCAAGGCGGCCCA[G>A]TCCGGGGACTACGGGGGCGCGGGCGACGACTACGTGCTGGGCAGCCTGCGCGTGAGCGGC-3'
Protein context (NP_003099.1, residues 177-197): GAKAGAGKAA[Gln187=]SGDYGGAGDD

ClinVar aggregate classification (germline): Uncertain significance (1 of 4 stars; one submission).

Allele frequency attached by ClinVar (database versions not stated): gnomAD 0.00001.
gnomAD v4.1: 4 of 1,489,254 alleles (0.00027%); highest among the groups gnomAD compares: African/African-American, 0.0058%; no homozygotes.

Submission:

Labcorp Genetics (formerly Invitae), Labcorp
Classification: Uncertain significance. Last evaluated: 2024-08-13. Review status: criteria provided, single submitter. Criteria: Invitae Variant Classification Sherloc (09022015). Collection method: clinical testing. Allele origin: germline.
Comment: This sequence change affects codon 187 of the SOX11 mRNA. It is a 'silent' change, meaning that it does not change the encoded amino acid sequence of the SOX11 protein. This variant is present in population databases (no rsID available, gnomAD 0.02%). This variant has not been reported in the literature in individuals affected with SOX11-related conditions. In summary, the available evidence is currently insufficient to determine the role of this variant in disease. Therefore, it has been classified as a Variant of Uncertain Significance.